The following is an entry in ClinVar:

ClinVar aggregate classification (germline): Pathogenic (1 of 4 stars; one submission).

Submission:

Labcorp Genetics (formerly Invitae), Labcorp
Classification: Pathogenic. Last evaluated: 2025-09-09. Review status: criteria provided, single submitter. Criteria: Invitae Variant Classification Sherloc (09022015). Collection method: clinical testing. Allele origin: germline.
Comment: This sequence change creates a premature translational stop signal (p.Glu2337Glyfs*5) in the VPS13C gene. It is expected to result in an absent or disrupted protein product. Loss-of-function variants in VPS13C are known to be pathogenic (PMID: 26942284, 34875562). This variant is not present in population databases (gnomAD no frequency). This variant has not been reported in the literature in individuals affected with VPS13C-related conditions. For these reasons, this variant has been classified as Pathogenic.

Literature cited by the submitters: PubMed 26942284; PubMed 34875562.

NM_020821.3(VPS13C):c.7009dup (p.Glu2337fs)

Gene: VPS13C (vacuolar protein sorting 13 homolog C; minus strand). Cytogenetic location: 15q22.2.
Variant type: Duplication.
Coding change: c.7009dup on transcript NM_020821.3 (MANE Select); coding-DNA position 7009, one base duplicated (G; older notation c.7009dupG).
Protein change: p.Glu2337fs; shifts the reading frame from glutamic acid 2337.
Molecular consequence: frameshift variant.
Genome position (GRCh38, 1-based): chr15:61,922,000, C duplicated on the plus strand (G on the coding strand, the reverse complement: VPS13C is on the minus strand); the first of 3 consecutive C bases (chr15:61,922,000-61,922,002); duplicating any one gives the same sequence. VCF-style (leftmost placement, unchanged base first): chr15-61921999-T-TC. GRCh37 (hg19) VCF-style: chr15-62214198-T-TC.
Other names: c.7009dup, p.Glu2337fs (NM_001018088.3); c.6880dup, p.Glu2294fs (NM_017684.5, NM_018080.4); short protein forms E2294fs, E2337fs.
Identifiers: ClinVar variation 4762481 (VCV004762481.1).
Genomic context (GRCh38, chr15:61,921,999, plus strand): 5'-TTCCTTACATCAAGCCTTAAATTCCATTGTCTCTTCCCCTCCACTCTCTCAATCAGTGGC[T>TC]CCCAGACAGCATGGATCTCATTGTAATAGTGCACCTGGAAAGATACACACAAAATTATAA-3'